The following is an entry in ClinVar:

ClinVar aggregate classification (germline): Benign/Likely benign. Review status: criteria provided, multiple submitters, no conflicts (2 of 4 stars). 9 submissions from 8 submitters: Benign (5); Likely benign (2). 2 of the submissions do not count toward it. Last evaluated 2026-04-01.

Conditions:
Retinitis pigmentosa 39 (RP39). Identifiers: Orphanet 791, MedGen C3151138, MONDO:0013436, OMIM 613809.
Usher syndrome type 2A. Also called: RETINAL DISEASE IN USHER SYNDROME TYPE IIA, MODIFIER OF; USHER SYNDROME, TYPE IIA. Identifiers: Orphanet 231178, Orphanet 886, MedGen C1848634, MONDO:0010169, OMIM 276901.

Allele frequency attached by ClinVar (database versions not stated): TOPMed 0.00007; gnomAD 0.00016; 1000 Genomes Project 30x 0.00062; 1000 Genomes Project 0.00080; ExAC 0.00091.
gnomAD v4.1: 679 of 1,613,886 alleles (0.042%); highest among the groups gnomAD compares: South Asian, 0.62%; 12 homozygotes.

Submissions (9):

CeGaT Center for Human Genetics Tuebingen
Classification: Likely benign. Last evaluated: 2026-04-01. Review status: criteria provided, single submitter. Criteria: CeGaT Center For Human Genetics Tuebingen Variant Classification Criteria Version 2. Collection method: clinical testing. Allele origin: germline. Affected: yes. Observed: 2 variant alleles.
Comment: USH2A: BP4, BS2

Labcorp Genetics (formerly Invitae), Labcorp
Classification: Benign. Last evaluated: 2026-01-28. Review status: criteria provided, single submitter. Criteria: Invitae Variant Classification Sherloc (09022015). Collection method: clinical testing. Allele origin: germline.

Blueprint Genetics
Classification: Likely benign. Last evaluated: 2024-10-23. Review status: criteria provided, single submitter. Criteria: ACMG Guidelines, 2015. Collection method: clinical testing. Allele origin: germline.

Genome-Nilou Lab
Classification: Benign for Retinitis pigmentosa 39. Last evaluated: 2023-11-04. Review status: criteria provided, single submitter. Criteria: ACMG Guidelines, 2015. Collection method: clinical testing. Allele origin: germline. Affected: no.

Genome-Nilou Lab
Classification: Benign for Usher syndrome type 2A. Last evaluated: 2023-11-04. Review status: criteria provided, single submitter. Criteria: ACMG Guidelines, 2015. Collection method: clinical testing. Allele origin: germline. Affected: no.

GeneDx
Classification: Benign. Last evaluated: 2019-01-09. Review status: criteria provided, single submitter. Criteria: GeneDx Variant Classification Process June 2021. Collection method: clinical testing. Allele origin: germline. Affected: yes.
Comment: This variant is associated with the following publications: (PMID: 20507924)

Laboratory for Molecular Medicine, Mass General Brigham Personalized Medicine
Classification: Benign. Last evaluated: 2016-04-07. Review status: criteria provided, single submitter. Criteria: LMM Criteria. Collection method: clinical testing. Allele origin: germline. Observed: 1 variant allele.
Comment: p.Pro2062Pro in exon 32 of USH2A: This variant is not expected to have clinical significance because it does not alter an amino acid residue and is not located within the splice consensus sequence. It has been identified in 0.6% (98/16508) of South Asian chromosomes by the Exome Aggregation Consortium (ExAC; dbSNP rs200247886).

Clinical Genetics DNA and cytogenetics Diagnostics Lab, Erasmus MC, Erasmus Medical Center
Classification: Likely benign. Review status: no assertion criteria provided. Collection method: clinical testing. Allele origin: germline. Affected: yes. Study: VKGL Data-share Consensus. Not counted in ClinVar's aggregate classification.

Clinical Genetics, Academic Medical Center
Classification: Likely benign. Review status: no assertion criteria provided. Collection method: clinical testing. Allele origin: germline. Affected: yes. Study: VKGL Data-share Consensus. Not counted in ClinVar's aggregate classification.

Literature cited by the submitters: PubMed 20507924 (cited by Laboratory for Molecular Medicine, Mass General Brigham Personalized Medicine).

NM_206933.4(USH2A):c.6186A>C (p.Pro2062=)

Gene: USH2A (usherin; minus strand). Cytogenetic location: 1q41.
Variant type: single nucleotide variant.
Coding change: c.6186A>C on transcript NM_206933.4 (MANE Select); coding-DNA position 6186, A replaced by C.
Protein change: p.Pro2062=; no amino-acid change (proline 2062 retained).
Molecular consequence: synonymous variant.
Genome position (GRCh38, 1-based): chr1:216,046,570, T>G on the plus strand (A>C on the coding strand, the complement: USH2A is on the minus strand). VCF-style: chr1-216046570-T-G. GRCh37 (hg19) VCF-style: chr1-216219912-T-G.
Identifiers: ClinVar variation 227144 (VCV000227144.29), dbSNP rs200247886, ClinGen allele CA1395195.